The following is an entry in ClinVar:

NM_015559.3(SETBP1):c.1039A>G (p.Ile347Val)

Gene: SETBP1 (SET binding protein 1; plus strand). Cytogenetic location: 18q12.3.
Variant type: single nucleotide variant.
Coding change: c.1039A>G on transcript NM_015559.3 (MANE Select); coding-DNA position 1039, A replaced by G.
Protein change: p.Ile347Val; replaces isoleucine 347 with valine.
Molecular consequence: missense variant.
Genome position (GRCh38, 1-based): chr18:44,950,379, A>G. VCF-style: chr18-44950379-A-G. GRCh37 (hg19) VCF-style: chr18-42530344-A-G.
Other names: c.1039A>G, p.Ile347Val (NM_001379141.1, NM_001379142.1, NM_001410862.1); short protein forms I347V.
Identifiers: ClinVar variation 2776422 (VCV002776422.3), dbSNP rs2071313268, ClinGen allele CA402317542.

ClinVar aggregate classification (germline): Uncertain significance (1 of 4 stars; one submission).

Allele frequency attached by ClinVar (database versions not stated): gnomAD exomes below 0.00001; TOPMed below 0.00001; gnomAD 0.00001.
gnomAD v4.1: 2 of 1,613,990 alleles (0.00012%); highest among the groups gnomAD compares: Non-Finnish European, 0.00017%; no homozygotes.

Submission:

Labcorp Genetics (formerly Invitae), Labcorp
Classification: Uncertain significance. Last evaluated: 2025-07-02. Review status: criteria provided, single submitter. Criteria: Invitae Variant Classification Sherloc (09022015). Collection method: clinical testing. Allele origin: germline.
Comment: This sequence change replaces isoleucine, which is neutral and non-polar, with valine, which is neutral and non-polar, at codon 347 of the SETBP1 protein (p.Ile347Val). This variant is not present in population databases (gnomAD no frequency). This variant has not been reported in the literature in individuals affected with SETBP1-related conditions. ClinVar contains an entry for this variant (Variation ID: 2776422). Invitae Evidence Modeling of protein sequence and biophysical properties (such as structural, functional, and spatial information, amino acid conservation, physicochemical variation, residue mobility, and thermodynamic stability) indicates that this missense variant is not expected to disrupt SETBP1 protein function with a negative predictive value of 80%. In summary, the available evidence is currently insufficient to determine the role of this variant in disease. Therefore, it has been classified as a Variant of Uncertain Significance.